The following is an entry in ClinVar:

ClinVar aggregate classification (germline): Pathogenic. Review status: criteria provided, multiple submitters, no conflicts (2 of 4 stars). 2 submissions from 2 submitters: Pathogenic (2). Last evaluated 2024-05-29.

Conditions:
Vascular malformation. Also called: Vascular malformations. Identifiers: MedGen C0158570, MONDO:0024291.
Capillary malformation-arteriovenous malformation syndrome. Also called: Capillary malformation-arteriovenous malformation. Identifiers: Orphanet 137667, MedGen C1842180, MONDO:0012016.

Submissions (2):

Clinical Genomics Laboratory, Washington University in St. Louis
Classification: Pathogenic for Vascular malformation. Last evaluated: 2024-05-29. Review status: criteria provided, single submitter. Criteria: Leon-Quintero et al. (Clin Genet. 2025). Collection method: clinical testing. Allele origin: somatic. Affected: yes.
Comment: A RASA1 c.1916C>G (p.Ser639*) variant was identified at an allelic fraction consistent with somatic origin. This variant, to our knowledge, has not been reported in the medical literature. It has been reported in the ClinVar database as a pathogenic germline variant by a single submitter (ClinVar ID: 2084347) and is absent from the general population (gnomAD v.4.1.0), indicating it is not a common variant. The RASA1 c.1916C>G (p.Ser639*) variant leads to a premature termination codon, which is predicted to lead to nonsense mediated decay. Based on available information and an internally developed protocol informed by the ACMG/AMP guidelines for variant interpretation (Leon-Quintero FZ et al., PMID: 39434542), the RASA1 c.1916C>G (p.Ser639*) variant is classified as pathogenic.

Labcorp Genetics (formerly Invitae), Labcorp
Classification: Pathogenic for Capillary malformation-arteriovenous malformation syndrome. Last evaluated: 2023-10-04. Review status: criteria provided, single submitter. Criteria: Invitae Variant Classification Sherloc (09022015). Collection method: clinical testing. Allele origin: germline.
Comment: This sequence change creates a premature translational stop signal (p.Ser639*) in the RASA1 gene. It is expected to result in an absent or disrupted protein product. Loss-of-function variants in RASA1 are known to be pathogenic (PMID: 24038909). This variant is not present in population databases (gnomAD no frequency). This variant has not been reported in the literature in individuals affected with RASA1-related conditions. ClinVar contains an entry for this variant (Variation ID: 2084347). Algorithms developed to predict the effect of sequence changes on RNA splicing suggest that this variant may create or strengthen a splice site. For these reasons, this variant has been classified as Pathogenic.

Literature cited by the submitters: PubMed 24038909 (cited by Labcorp Genetics (formerly Invitae), Labcorp).

NM_002890.3(RASA1):c.1916C>G (p.Ser639Ter)

Genes: CCNH (cyclin H; minus strand), RASA1 (RAS p21 protein activator 1; plus strand). Cytogenetic location: 5q14.3.
Variant type: single nucleotide variant.
Coding change: c.1916C>G on transcript NM_002890.3 (MANE Select); coding-DNA position 1916, C replaced by G.
Protein change: p.Ser639Ter; replaces serine 639 with a stop codon.
Molecular consequence: nonsense. On other transcripts: intron variant (1).
Genome position (GRCh38, 1-based): chr5:87,374,302, C>G. VCF-style: chr5-87374302-C-G. GRCh37 (hg19) VCF-style: chr5-86670119-C-G.
Other names: c.1385C>G, p.Ser462Ter (NM_022650.3); c.933+20742G>C (NM_001364075.2); short protein forms S462*, S639*.
Identifiers: ClinVar variation 2084347 (VCV002084347.5), dbSNP rs2531339000, ClinGen allele CA360375277.
Genomic context (GRCh38, chr5:87,374,302, plus strand): 5'-ACCTGAATAGTGTCCAAGTAGCAAAAACTCATGCAAGGGAAGGGCAAAACCCAGTATGGT[C>G]AGAAGAGTTTGTCTTTGAGTAAGTCTTATTTTATCATTACATTAATCATTTTCTTTTACC-3'